The following is an entry in ClinVar:

ClinVar aggregate classification (germline): Uncertain significance (1 of 4 stars; one submission).

Allele frequency attached by ClinVar (database versions not stated): gnomAD exomes below 0.00001; gnomAD 0.00001.
gnomAD v4.1: 2 of 1,613,384 alleles (0.00012%); highest among the groups gnomAD compares: East Asian, 0.0045%; no homozygotes.

Submission:

Labcorp Genetics (formerly Invitae), Labcorp
Classification: Uncertain significance. Last evaluated: 2024-11-05. Review status: criteria provided, single submitter. Criteria: Invitae Variant Classification Sherloc (09022015). Collection method: clinical testing. Allele origin: germline.
Comment: This sequence change falls in intron 2 of the PAX1 gene. It does not directly change the encoded amino acid sequence of the PAX1 protein. This variant is not present in population databases (gnomAD no frequency). This variant has not been reported in the literature in individuals affected with PAX1-related conditions. ClinVar contains an entry for this variant (Variation ID: 2011874). Algorithms developed to predict the effect of sequence changes on RNA splicing suggest that this variant may disrupt the consensus splice site. In summary, the available evidence is currently insufficient to determine the role of this variant in disease. Therefore, it has been classified as a Variant of Uncertain Significance.

NM_001257096.2(PAX1):c.917-5T>A

Gene: PAX1 (paired box 1; plus strand). Cytogenetic location: 20p11.22.
Variant type: single nucleotide variant.
Coding change: c.917-5T>A on transcript NM_001257096.2 (MANE Select); 5 bases into the intron before coding-DNA position 917, T replaced by A.
Molecular consequence: intron variant.
Genome position (GRCh38, 1-based): chr20:21,708,553, T>A. VCF-style: chr20-21708553-T-A. GRCh37 (hg19) VCF-style: chr20-21689191-T-A.
Other names: c.917-5T>A (NM_006192.5).
Identifiers: ClinVar variation 2011874 (VCV002011874.4), dbSNP rs1985089789, ClinGen allele CA2355006009.